The following is an entry in ClinVar:

ClinVar aggregate classification (germline): Conflicting classifications of pathogenicity. Review status: criteria provided, conflicting classifications (1 of 4 stars). 2 submissions from 2 submitters: Uncertain significance (1); Likely benign (1). Last evaluated 2026-07-06.

Conditions:
Hereditary cancer-predisposing syndrome. Also called: Tumor predisposition; Hereditary Cancer Syndrome; Hereditary neoplastic syndrome; Neoplastic Syndromes, Hereditary. Identifiers: Orphanet 140162, MedGen C0027672, MeSH D009386, MONDO:0015356.

Allele frequency attached by ClinVar (database versions not stated): gnomAD exomes below 0.00001.
gnomAD v4.1: 2 of 1,613,948 alleles (0.00012%); highest among the groups gnomAD compares: Non-Finnish European, 0.00017%; no homozygotes.

Submissions (2):

Ambry Genetics
Classification: Likely benign for Hereditary cancer-predisposing syndrome. Last evaluated: 2026-07-06. Review status: criteria provided, single submitter. Criteria: Ambry Variant Classification Scheme 2023. Collection method: clinical testing. Allele origin: germline.

Labcorp Genetics (formerly Invitae), Labcorp
Classification: Uncertain significance. Last evaluated: 2024-04-26. Review status: criteria provided, single submitter. Criteria: Invitae Variant Classification Sherloc (09022015). Collection method: clinical testing. Allele origin: germline.
Comment: This sequence change replaces asparagine, which is neutral and polar, with aspartic acid, which is acidic and polar, at codon 1115 of the MSH3 protein (p.Asn1115Asp). This variant is not present in population databases (gnomAD no frequency). This variant has not been reported in the literature in individuals affected with MSH3-related conditions. ClinVar contains an entry for this variant (Variation ID: 1055703). Algorithms developed to predict the effect of missense changes on protein structure and function output the following: SIFT: "Not Available"; PolyPhen-2: "Benign"; Align-GVGD: "Not Available". The aspartic acid amino acid residue is found in multiple mammalian species, which suggests that this missense change does not adversely affect protein function. In summary, the available evidence is currently insufficient to determine the role of this variant in disease. Therefore, it has been classified as a Variant of Uncertain Significance.

NM_002439.5(MSH3):c.3343A>G (p.Asn1115Asp)

Gene: MSH3 (mutS homolog 3; plus strand). Cytogenetic location: 5q14.1.
Variant type: single nucleotide variant.
Coding change: c.3343A>G on transcript NM_002439.5 (MANE Select); coding-DNA position 3343, A replaced by G.
Protein change: p.Asn1115Asp; replaces asparagine 1115 with aspartic acid.
Molecular consequence: missense variant.
Genome position (GRCh38, 1-based): chr5:80,875,791, A>G. VCF-style: chr5-80875791-A-G. GRCh37 (hg19) VCF-style: chr5-80171610-A-G.
Other names: c.3343A>G (NM_002439.3); short protein forms N1115D.
Identifiers: ClinVar variation 1055703 (VCV001055703.8), dbSNP rs2112131777, ClinGen allele CA360347355.